The following is an entry in ClinVar:

ClinVar aggregate classification (germline): Uncertain significance (1 of 4 stars; one submission).

Conditions:
Retinoblastoma (RB1). Also called: RETINOBLASTOMA, SOMATIC. Identifiers: Orphanet 790, MedGen C0035335, MeSH D012175, MONDO:0008380, OMIM 180200, HP:0009919. Disease mechanism: loss of function. Inheritance: Both sporadic and heritable forms are tested..

Allele frequency attached by ClinVar (database versions not stated): gnomAD exomes below 0.00001; TOPMed below 0.00001.
gnomAD v4.1: 3 of 1,584,172 alleles (0.00019%); highest among the groups gnomAD compares: Non-Finnish European, 0.00026%; no homozygotes.

Submission:

Labcorp Genetics (formerly Invitae), Labcorp
Classification: Uncertain significance for Retinoblastoma. Last evaluated: 2023-08-11. Review status: criteria provided, single submitter. Criteria: Invitae Variant Classification Sherloc (09022015). Collection method: clinical testing. Allele origin: germline.
Comment: This sequence change replaces glutamic acid, which is acidic and polar, with lysine, which is basic and polar, at codon 737 of the RB1 protein (p.Glu737Lys). In summary, the available evidence is currently insufficient to determine the role of this variant in disease. Therefore, it has been classified as a Variant of Uncertain Significance. An algorithm developed to predict the effect of missense changes on protein structure and function (PolyPhen-2) suggests that this variant is likely to be disruptive. This variant has not been reported in the literature in individuals affected with RB1-related conditions. This variant is not present in population databases (gnomAD no frequency).

NM_000321.3(RB1):c.2209G>A (p.Glu737Lys)

Gene: RB1 (RB transcriptional corepressor 1; plus strand). Cytogenetic location: 13q14.2.
Variant type: single nucleotide variant.
Coding change: c.2209G>A on transcript NM_000321.3 (MANE Select); coding-DNA position 2209, G replaced by A.
Protein change: p.Glu737Lys; replaces glutamic acid 737 with lysine.
Molecular consequence: missense variant.
Genome position (GRCh38, 1-based): chr13:48,463,833, G>A. VCF-style: chr13-48463833-G-A. GRCh37 (hg19) VCF-style: chr13-49037969-G-A.
Other names: c.2209G>A, p.Glu737Lys (NM_001407165.1); short protein forms E737K.
Identifiers: ClinVar variation 2877263 (VCV002877263.3), dbSNP rs587778868, ClinGen allele CA388167234.